The following is an entry in ClinVar:

ClinVar aggregate classification (germline): not provided (0 of 4 stars; one submission).

Conditions:
Developmental and epileptic encephalopathy, 7 (DEE7). Also called: KCNQ2-Related Neonatal Epileptic Encephalopathy; Early infantile epileptic encephalopathy 7; KCNQ2-Related Neonatal-Onset Developmental and Epileptic Encephalopathy (NEO-DEE). Identifiers: Orphanet 439218, MedGen C3150986, MONDO:0013387, OMIM 613720.

Submission:

GeneReviews
No classification provided. Condition: Developmental and epileptic encephalopathy, 7. Review status: no classification provided. Collection method: literature only. Allele origin: germline. Affected: yes.
Comment: EE (epileptic encephalopathy)

Literature cited by the submitters: PubMed 22275249; PubMed 24318194; NCBI Bookshelf NBK32534.

NM_172107.4(KCNQ2):c.793G>C (p.Ala265Pro)

Gene: KCNQ2 (potassium voltage-gated channel subfamily Q member 2; minus strand). Cytogenetic location: 20q13.33.
Variant type: single nucleotide variant.
Coding change: c.793G>C on transcript NM_172107.4 (MANE Select); coding-DNA position 793, G replaced by C.
Protein change: p.Ala265Pro; replaces alanine 265 with proline.
Molecular consequence: missense variant.
Genome position (GRCh38, 1-based): chr20:63,442,429, C>G on the plus strand (G>C on the coding strand, the complement: KCNQ2 is on the minus strand). VCF-style: chr20-63442429-C-G. GRCh37 (hg19) VCF-style: chr20-62073782-C-G.
Other names: c.793G>C, p.Ala265Pro (NM_004518.6, NM_172106.3, NM_172108.5 and 1 more transcripts); short protein forms A265P.
Identifiers: ClinVar variation 369762 (VCV000369762.2), dbSNP rs794727740, ClinGen allele CA10654817.